The following is an entry in ClinVar:

NM_004793.4(LONP1):c.1815G>A (p.Ser605=)

Gene: LONP1 (lon peptidase 1, mitochondrial; minus strand). Cytogenetic location: 19p13.3.
Variant type: single nucleotide variant.
Coding change: c.1815G>A on transcript NM_004793.4 (MANE Select); coding-DNA position 1815, G replaced by A.
Protein change: p.Ser605=; no amino-acid change (serine 605 retained).
Molecular consequence: synonymous variant. On other transcripts: non-coding transcript variant (1).
Genome position (GRCh38, 1-based): chr19:5,696,330, C>T on the plus strand (G>A on the coding strand, the complement: LONP1 is on the minus strand). VCF-style: chr19-5696330-C-T. GRCh37 (hg19) VCF-style: chr19-5696341-C-T.
Other names: c.1623G>A, p.Ser541= (NM_001276479.2); c.1227G>A, p.Ser409= (NM_001276480.1); c.1815G>A (NM_004793.3).
Identifiers: ClinVar variation 1669749 (VCV001669749.42), dbSNP rs148812474, ClinGen allele CA9114460.
Genomic context (GRCh38, chr19:5,696,330, plus strand): 5'-GTCCAGGTAGTGGTCCAGGAAGTTGGCATTCTGCTCTGGGTCCAGCAGCTCCAGCAGTGC[C>T]GACGACGGGTCCCCCTGGTAGCCTCGGCCGATCTTGTCCACCTGGGGCAGCAGACAGCAG-3'
Protein context (NP_004784.2, residues 595-615): IGRGYQGDPS[Ser605=]ALLELLDPEQ

ClinVar aggregate classification (germline): Likely benign. Review status: criteria provided, multiple submitters, no conflicts (2 of 4 stars). 5 submissions from 5 submitters: Likely benign (4). 1 of the submissions does not count toward it. Last evaluated 2026-05-01.

Conditions:
LONP1-related disorder. Also called: LONP1-related disorders; LONP1-related condition.

Allele frequency attached by ClinVar (database versions not stated): gnomAD 0.00008 and 0.00004; gnomAD exomes 0.00017; ExAC 0.00022; TOPMed 0.00005; ESP Exome Variant Server 0.00008.
gnomAD v4.1: 132 of 1,613,202 alleles (0.0082%); highest among the groups gnomAD compares: Middle Eastern, 0.15%; no homozygotes.

Submissions (5):

CeGaT Center for Human Genetics Tuebingen
Classification: Likely benign. Last evaluated: 2026-05-01. Review status: criteria provided, single submitter. Criteria: CeGaT Center For Human Genetics Tuebingen Variant Classification Criteria Version 2. Collection method: clinical testing. Allele origin: germline. Affected: yes. Observed: 5 variant alleles.
Comment: LONP1: BP4, BP7

Labcorp Genetics (formerly Invitae), Labcorp
Classification: Likely benign. Last evaluated: 2025-08-23. Review status: criteria provided, single submitter. Criteria: Invitae Variant Classification Sherloc (09022015). Collection method: clinical testing. Allele origin: germline.

Blueprint Genetics
Classification: Likely benign. Last evaluated: 2024-09-26. Review status: criteria provided, single submitter. Criteria: ACMG Guidelines, 2015. Collection method: clinical testing. Allele origin: germline.

Breakthrough Genomics
Classification: Likely benign. Review status: criteria provided, single submitter. Criteria: ACMG Guidelines, 2015. Collection method: not provided. Allele origin: germline. Inheritance: Autosomal recessive inheritance. Affected: yes.

PreventionGenetics, part of Exact Sciences
Classification: Likely benign for LONP1-related condition. Last evaluated: 2019-02-27. Review status: no assertion criteria provided. Collection method: clinical testing. Allele origin: germline. Not counted in ClinVar's aggregate classification.
Comment: This variant is classified as likely benign based on ACMG/AMP sequence variant interpretation guidelines (Richards et al. 2015 PMID: 25741868, with internal and published modifications).